The following is an entry in ClinVar:

ClinVar aggregate classification (germline): Uncertain significance (1 of 4 stars; one submission).

Allele frequency attached by ClinVar (database versions not stated): TOPMed 0.00001.

Submission:

Labcorp Genetics (formerly Invitae), Labcorp
Classification: Uncertain significance. Last evaluated: 2021-09-17. Review status: criteria provided, single submitter. Criteria: Invitae Variant Classification Sherloc (09022015). Collection method: clinical testing. Allele origin: germline.
Comment: In summary, the available evidence is currently insufficient to determine the role of this variant in disease. Therefore, it has been classified as a Variant of Uncertain Significance. This variant is not present in population databases (ExAC no frequency). This sequence change replaces lysine with glutamic acid at codon 1427 of the RP1 protein (p.Lys1427Glu). The lysine residue is moderately conserved and there is a small physicochemical difference between lysine and glutamic acid. Algorithms developed to predict the effect of missense changes on protein structure and function output the following: SIFT: "Tolerated"; PolyPhen-2: "Benign"; Align-GVGD: "Class C0". The glutamic acid amino acid residue is found in multiple mammalian species, which suggests that this missense change does not adversely affect protein function. This variant has not been reported in the literature in individuals affected with RP1-related conditions.

NM_006269.2(RP1):c.4279A>G (p.Lys1427Glu)

Gene: RP1 (RP1 axonemal microtubule associated; plus strand). Cytogenetic location: 8q12.1.
Variant type: single nucleotide variant.
Coding change: c.4279A>G on transcript NM_006269.2 (MANE Select); coding-DNA position 4279, A replaced by G.
Protein change: p.Lys1427Glu; replaces lysine 1427 with glutamic acid.
Molecular consequence: missense variant. On other transcripts: intron variant (1).
Genome position (GRCh38, 1-based): chr8:54,628,161, A>G. VCF-style: chr8-54628161-A-G. GRCh37 (hg19) VCF-style: chr8-55540721-A-G.
Other names: c.787+5873A>G (NM_001375654.1); short protein forms K1427E.
Identifiers: ClinVar variation 1381781 (VCV001381781.6), dbSNP rs1806131259, ClinGen allele CA370981849.